The following is an entry in ClinVar:

ClinVar aggregate classification (germline): Pathogenic (1 of 4 stars; one submission).

Conditions:
Pitt-Hopkins syndrome (PTHS). Also called: MENTAL RETARDATION, SYNDROMAL, WITH INTERMITTENT HYPERVENTILATION; ENCEPHALOPATHY, SEVERE EPILEPTIC, WITH AUTONOMIC DYSFUNCTION. Identifiers: Orphanet 2896, MedGen C1970431, MONDO:0012589, OMIM 610954.

Submission:

3billion
Classification: Pathogenic for Pitt-Hopkins syndrome. Last evaluated: 2024-03-04. Review status: criteria provided, single submitter. Criteria: ACMG Guidelines, 2015. Collection method: clinical testing. Allele origin: germline. Affected: yes.
Comment: The variant is not observed in the gnomAD v2.1.1 dataset. Predicted Consequence/Location: The variant is located in a mutational hot spot and/or well-established functional domain in which established pathogenic variants have been reported. In silico tool predictions suggest damaging effect of the variant on gene or gene product [REVEL: 0.97 (>=0.6, sensitivity 0.68 and specificity 0.92); 3Cnet: 0.92 (>=0.6, sensitivity 0.72 and precision 0.9)]. Same nucleotide change resulting in same amino acid change has been previously reported to be associated with TCF4 related disorder (PMID: 34128147).The variant has been previously reported as de novo in a similarly affected individual (PMID: 34128147). A different missense change at the same codon (p.Lys607Thr) has been reported to be associated with TCF4 related disorder (PMID: 32945094). Therefore, this variant is classified as Pathogenic according to the recommendation of ACMG/AMP guideline.

Literature cited by the submitters: PubMed 32945094; PubMed 34128147.

NM_001083962.2(TCF4):c.1819A>G (p.Lys607Glu)

Gene: TCF4 (transcription factor 4; minus strand). Cytogenetic location: 18q21.2.
Variant type: single nucleotide variant.
Coding change: c.1819A>G on transcript NM_001083962.2 (MANE Select); coding-DNA position 1819, A replaced by G.
Protein change: p.Lys607Glu; replaces lysine 607 with glutamic acid.
Molecular consequence: missense variant.
Genome position (GRCh38, 1-based): chr18:55,228,907, T>C on the plus strand (A>G on the coding strand, the complement: TCF4 is on the minus strand). VCF-style: chr18-55228907-T-C. GRCh37 (hg19) VCF-style: chr18-52896138-T-C.
Other names: c.2125A>G, p.Lys709Glu (NM_001243226.3); c.1747A>G, p.Lys583Glu (NM_001243227.2, NM_001348217.1, NM_001348218.2 and 1 more transcripts); c.1837A>G, p.Lys613Glu (NM_001243228.2); c.1798A>G, p.Lys600Glu (NM_001243230.2); c.1681A>G, p.Lys561Glu (NM_001243231.2); c.1606A>G, p.Lys536Glu (NM_001243232.1); c.1417A>G, p.Lys473Glu (NM_001243233.2, NM_001348212.2); c.1339A>G, p.Lys447Glu (NM_001243234.2, NM_001348216.2); and 14 more; short protein forms K391E, K442E, K443E, K447E, K473E, K477E, K532E, K536E.
Identifiers: ClinVar variation 3775944 (VCV003775944.1).